The following is an entry in ClinVar:

NM_000293.3(PHKB):c.604A>G (p.Ile202Val)

Gene: PHKB (phosphorylase kinase regulatory subunit beta; plus strand). Cytogenetic location: 16q12.1.
Variant type: single nucleotide variant.
Coding change: c.604A>G on transcript NM_000293.3 (MANE Select); coding-DNA position 604, A replaced by G.
Protein change: p.Ile202Val; replaces isoleucine 202 with valine.
Molecular consequence: missense variant.
Genome position (GRCh38, 1-based): chr16:47,547,442, A>G. VCF-style: chr16-47547442-A-G. GRCh37 (hg19) VCF-style: chr16-47581353-A-G.
Other names: c.583A>G, p.Ile195Val (NM_001031835.3); c.604A>G, p.Ile202Val (NM_001363837.1); c.604A>G (NM_000293.2); short protein forms I195V, I202V.
Identifiers: ClinVar variation 1016905 (VCV001016905.13), dbSNP rs367667135, ClinGen allele CA8040557.

ClinVar aggregate classification (germline): Uncertain significance. Review status: criteria provided, multiple submitters, no conflicts (2 of 4 stars). 5 submissions from 5 submitters: Uncertain significance (5). Last evaluated 2025-08-20.

Conditions:
Inborn genetic diseases. Identifiers: MedGen C0950123, MeSH D030342.
Glycogen storage disease IXb (GSD9B). Also called: GLYCOGENOSIS OF LIVER AND MUSCLE, AUTOSOMAL RECESSIVE; GSD IXb; PHOSPHORYLASE KINASE DEFICIENCY OF LIVER AND MUSCLE, AUTOSOMAL RECESSIVE. Identifiers: Orphanet 79240, MedGen C0543514, MONDO:0009868, OMIM 261750.

Allele frequency attached by ClinVar (database versions not stated): gnomAD exomes 0.00001; ExAC 0.00002; gnomAD 0.00002 and 0.00003; TOPMed 0.00003.
gnomAD v4.1: 45 of 1,600,842 alleles (0.0028%); highest among the groups gnomAD compares: East Asian, 0.022%; no homozygotes.

Submissions (5):

Ambry Genetics
Classification: Uncertain significance for Inborn genetic diseases. Last evaluated: 2025-08-20. Review status: criteria provided, single submitter. Criteria: Ambry Variant Classification Scheme 2023. Collection method: clinical testing. Allele origin: germline.

Blueprint Genetics
Classification: Uncertain significance. Last evaluated: 2024-10-21. Review status: criteria provided, single submitter. Criteria: ACMG Guidelines, 2015. Collection method: clinical testing. Allele origin: germline.

GeneDx
Classification: Uncertain significance. Last evaluated: 2024-02-23. Review status: criteria provided, single submitter. Criteria: GeneDx Variant Classification Process June 2021. Collection method: clinical testing. Allele origin: germline. Affected: yes.
Comment: In silico analysis supports that this missense variant does not alter protein structure/function; Has not been previously published as pathogenic or benign to our knowledge

Labcorp Genetics (formerly Invitae), Labcorp
Classification: Uncertain significance for Glycogen storage disease IXb. Last evaluated: 2022-03-19. Review status: criteria provided, single submitter. Criteria: Invitae Variant Classification Sherloc (09022015). Collection method: clinical testing. Allele origin: germline.
Comment: This sequence change replaces isoleucine, which is neutral and non-polar, with valine, which is neutral and non-polar, at codon 202 of the PHKB protein (p.Ile202Val). This variant is present in population databases (rs367667135, gnomAD 0.01%). This variant has not been reported in the literature in individuals affected with PHKB-related conditions. ClinVar contains an entry for this variant (Variation ID: 1016905). Algorithms developed to predict the effect of missense changes on protein structure and function (SIFT, PolyPhen-2, Align-GVGD) all suggest that this variant is likely to be tolerated. In summary, the available evidence is currently insufficient to determine the role of this variant in disease. Therefore, it has been classified as a Variant of Uncertain Significance.

Revvity Omics, Revvity
Classification: Uncertain significance for Glycogen storage disease IXb. Last evaluated: 2021-06-11. Review status: criteria provided, single submitter. Criteria: ACMG Guidelines, 2015. Collection method: clinical testing. Allele origin: germline.